The following is an entry in ClinVar:

NM_000548.5(TSC2):c.4144C>T (p.Leu1382=)

Gene: TSC2 (TSC complex subunit 2; plus strand). Cytogenetic location: 16p13.3.
Variant type: single nucleotide variant.
Coding change: c.4144C>T on transcript NM_000548.5 (MANE Select); coding-DNA position 4144, C replaced by T.
Protein change: p.Leu1382=; no amino-acid change (leucine 1382 retained).
Molecular consequence: synonymous variant. On other transcripts: non-coding transcript variant (5).
Genome position (GRCh38, 1-based): chr16:2,084,366, C>T. VCF-style: chr16-2084366-C-T. GRCh37 (hg19) VCF-style: chr16-2134367-C-T.
Other names: c.3943C>T, p.Leu1315= (NM_001077183.3); c.4075C>T, p.Leu1359= (NM_001114382.3); c.3835C>T, p.Leu1279= (NM_001318827.2); c.3799C>T, p.Leu1267= (NM_001318829.2); c.3412C>T, p.Leu1138= (NM_001318831.2); c.3976C>T, p.Leu1326= (NM_001318832.2); c.3946C>T, p.Leu1316= (NM_001363528.2); c.4012C>T, p.Leu1338= (NM_001370404.1); and 26 more.
Identifiers: ClinVar variation 4071160 (VCV004071160.1).
Genomic context (GRCh38, chr16:2,084,366, plus strand): 5'-GTCGTCTCCTCGGAGGGTGGCCGGCCCTCTGTGGACCTCTCCTTCCAGCCCTCGCAGCCC[C>T]TGAGCAAGTCCAGCTCCTCTCCCGAGCTGCAGACTCTGCAGGACATCCTCGGGGACCCTG-3'
Protein context (NP_000539.2, residues 1372-1392): VDLSFQPSQP[Leu1382=]SKSSSSPELQ

ClinVar aggregate classification (germline): Benign (1 of 4 stars; one submission).

Conditions:
Tuberous sclerosis 2 (TSC2). Identifiers: Orphanet 805, MedGen C1860707, MONDO:0013199, OMIM 613254.

Submission:

Myriad Genetics, Inc.
Classification: Benign for Tuberous sclerosis 2. Last evaluated: 2025-06-02. Review status: criteria provided, single submitter. Criteria: Myriad Autosomal Dominant, Autosomal Recessive and X-Linked Classification Criteria (2023). Collection method: clinical testing. Allele origin: unknown.
Comment: This variant is considered benign. This variant is a silent/synonymous amino acid change and it is not expected to impact splicing.